The following is an entry in ClinVar:

ClinVar aggregate classification (germline): Conflicting classifications of pathogenicity. Review status: criteria provided, conflicting classifications (1 of 4 stars). 3 submissions from 3 submitters: Uncertain significance (1); Likely benign (2). Last evaluated 2025-08-20.

Conditions:
Inborn genetic diseases. Identifiers: MedGen C0950123, MeSH D030342.

Allele frequency attached by ClinVar (database versions not stated): TOPMed 0.00008; ExAC 0.00009; gnomAD 0.00010; ESP Exome Variant Server 0.00015.
gnomAD v4.1: 219 of 1,614,034 alleles (0.014%); highest among the groups gnomAD compares: Non-Finnish European, 0.018%; no homozygotes.

Submissions (3):

Mayo Clinic Laboratories, Mayo Clinic
Classification: Uncertain significance. Last evaluated: 2025-08-20. Review status: criteria provided, single submitter. Criteria: ACMG Guidelines, 2015. Collection method: clinical testing. Allele origin: germline. Observed: 2 variant alleles.
Comment: BP4_strong

Blueprint Genetics
Classification: Likely benign. Last evaluated: 2024-01-10. Review status: criteria provided, single submitter. Criteria: ACMG Guidelines, 2015. Collection method: clinical testing. Allele origin: germline.

Ambry Genetics
Classification: Likely benign for Inborn genetic diseases. Last evaluated: 2023-04-19. Review status: criteria provided, single submitter. Criteria: Ambry Variant Classification Scheme 2023. Collection method: clinical testing. Allele origin: germline.

NM_017825.3(ADPRS):c.719G>A (p.Arg240His)

Gene: ADPRS (ADP-ribosylserine hydrolase; plus strand). Cytogenetic location: 1p34.3.
Variant type: single nucleotide variant.
Coding change: c.719G>A on transcript NM_017825.3 (MANE Select); coding-DNA position 719, G replaced by A.
Protein change: p.Arg240His; replaces arginine 240 with histidine.
Molecular consequence: missense variant.
Genome position (GRCh38, 1-based): chr1:36,092,439, G>A. VCF-style: chr1-36092439-G-A. GRCh37 (hg19) VCF-style: chr1-36558040-G-A.
Other names: p.Arg240His; short protein forms R240H.
Identifiers: ClinVar variation 2564423 (VCV002564423.4), dbSNP rs148612837, ClinGen allele CA764671.